The following is an entry in ClinVar:

ClinVar aggregate classification (germline): Likely pathogenic. Review status: criteria provided, multiple submitters, no conflicts (2 of 4 stars). 6 submissions from 6 submitters: Likely pathogenic (6). Last evaluated 2025-05-30.

Conditions:
Oculocutaneous albinism type 1A (OCA1A). Also called: Albinism, oculocutaneous, type IA. Identifiers: Orphanet 352731, Orphanet 79431, MedGen C4551504, MONDO:0008745, OMIM 203100. Disease mechanism: loss of function.
Oculocutaneous albinism type 1B (OCA1B). Also called: ALBINISM, OCULOCUTANEOUS, TYPE IB; ALBINISM, YELLOW MUTANT TYPE; YELLOW ALBINISM. Identifiers: Orphanet 352731, Orphanet 352737, Orphanet 79434, MedGen C1847024, MONDO:0011749, OMIM 606952.
SKIN/HAIR/EYE PIGMENTATION 3, LIGHT/DARK SKIN (SHEP3). Also called: SKIN/HAIR/EYE PIGMENTATION, VARIATION IN, 3; SKIN/HAIR/EYE PIGMENTATION 3, BLUE/GREEN EYE COLOR; SKIN/HAIR/EYE PIGMENTATION 3, FRECKLING; EYE COLOR 1; EYE COLOR, GREEN/BLUE. Identifiers: MedGen C2677190, OMIM 601800.
TYR-related disorder. Also called: TYR-related condition.

Allele frequency attached by ClinVar (database versions not stated): ExAC 0.00001; gnomAD 0.00001; gnomAD exomes 0.00001; TOPMed 0.00001.
gnomAD v4.1: 65 of 1,613,256 alleles (0.004%); highest among the groups gnomAD compares: Non-Finnish European, 0.0053%; no homozygotes.

Submissions (6):

Labcorp Genetics (formerly Invitae), Labcorp
Classification: Likely pathogenic. Last evaluated: 2025-05-30. Review status: criteria provided, single submitter. Criteria: Invitae Variant Classification Sherloc (09022015). Collection method: clinical testing. Allele origin: germline.
Comment: This sequence change replaces histidine, which is basic and polar, with tyrosine, which is neutral and polar, at codon 367 of the TYR protein (p.His367Tyr). This variant is present in population databases (rs776054795, gnomAD 0.002%). This missense change has been observed in individuals with clinical features of retinal disease and/or oculocutaneous albinism (PMID: 7955413, 18821858, 38219857; internal data). ClinVar contains an entry for this variant (Variation ID: 1506678). Invitae Evidence Modeling of protein sequence and biophysical properties (such as structural, functional, and spatial information, amino acid conservation, physicochemical variation, residue mobility, and thermodynamic stability) indicates that this missense variant is expected to disrupt TYR protein function with a positive predictive value of 95%. In summary, the currently available evidence indicates that the variant is pathogenic, but additional data are needed to prove that conclusively. Therefore, this variant has been classified as Likely Pathogenic.

Fulgent Genetics
Classification: Likely pathogenic for Oculocutaneous albinism type 1A; SKIN/HAIR/EYE PIGMENTATION 3, LIGHT/DARK SKIN; Oculocutaneous albinism type 1B. Last evaluated: 2024-06-23. Review status: criteria provided, single submitter. Criteria: ACMG Guidelines, 2015. Collection method: clinical testing. Allele origin: germline.

Baylor Genetics
Classification: Likely pathogenic for SKIN/HAIR/EYE PIGMENTATION 3, LIGHT/DARK SKIN. Last evaluated: 2024-02-16. Review status: criteria provided, single submitter. Criteria: ACMG Guidelines, 2015. Collection method: clinical testing. Allele origin: unknown.

Department of Pathology and Laboratory Medicine, Sinai Health System
Classification: Likely pathogenic for Oculocutaneous albinism type 1B; Oculocutaneous albinism type 1A. Last evaluated: 2023-04-18. Review status: criteria provided, single submitter. Criteria: ACMG Guidelines, 2015. Collection method: research. Allele origin: germline.

Blueprint Genetics
Classification: Likely pathogenic for TYR-related disorders. Last evaluated: 2023-04-17. Review status: criteria provided, single submitter. Criteria: ACMG Guidelines, 2015. Collection method: clinical testing. Allele origin: germline. Affected: yes. Observed: 1 variant allele.

GeneDx
Classification: Likely pathogenic. Last evaluated: 2022-05-27. Review status: criteria provided, single submitter. Criteria: GeneDx Variant Classification Process June 2021. Collection method: clinical testing. Allele origin: germline. Affected: yes.
Comment: Observed with a second TYR variant in a patient with oculocutaneous albinism in the published literature, but it is not known whether the variants occurred on the same (in cis) or on different (in trans) chromosomes (Jackson et al., 2020); Not observed at significant frequency in large population cohorts (gnomAD); In silico analysis supports that this missense variant has a deleterious effect on protein structure/function; This variant is associated with the following publications: (PMID: 17850513, 7955413, 18821858, 33458560, 28640309, 32830442)

Literature cited by the submitters: PubMed 7955413 (cited by Labcorp Genetics (formerly Invitae), Labcorp); PubMed 18821858 (cited by Labcorp Genetics (formerly Invitae), Labcorp); PubMed 38219857 (cited by Labcorp Genetics (formerly Invitae), Labcorp).

NM_000372.5(TYR):c.1099C>T (p.His367Tyr)

Gene: TYR (tyrosinase; plus strand). Cytogenetic location: 11q14.3.
Variant type: single nucleotide variant.
Coding change: c.1099C>T on transcript NM_000372.5 (MANE Select); coding-DNA position 1099, C replaced by T.
Protein change: p.His367Tyr; replaces histidine 367 with tyrosine.
Molecular consequence: missense variant.
Genome position (GRCh38, 1-based): chr11:89,227,885, C>T. VCF-style: chr11-89227885-C-T. GRCh37 (hg19) VCF-style: chr11-88961053-C-T.
Other names: short protein forms H367Y.
Identifiers: ClinVar variation 1506678 (VCV001506678.14), dbSNP rs776054795, ClinGen allele CA6221347.